The following is an entry in ClinVar:

NM_001025295.3(IFITM5):c.143A>G (p.Asn48Ser)

Gene: IFITM5 (interferon induced transmembrane protein 5; minus strand). Cytogenetic location: 11p15.5.
Variant type: single nucleotide variant.
Coding change: c.143A>G on transcript NM_001025295.3 (MANE Select); coding-DNA position 143, A replaced by G.
Protein change: p.Asn48Ser; replaces asparagine 48 with serine.
Molecular consequence: missense variant.
Genome position (GRCh38, 1-based): chr11:299,348, T>C on the plus strand (A>G on the coding strand, the complement: IFITM5 is on the minus strand). VCF-style: chr11-299348-T-C. GRCh37 (hg19) VCF-style: chr11-299348-T-C.
Other names: short protein forms N48S.
Identifiers: ClinVar variation 1333457 (VCV001333457.3), dbSNP rs2134037146, ClinGen allele CA378890727.

ClinVar aggregate classification (germline): Uncertain significance. Review status: criteria provided, multiple submitters, no conflicts (2 of 4 stars). 2 submissions from 2 submitters: Uncertain significance (2). Last evaluated 2024-05-02.

Conditions:
Osteogenesis imperfecta type 5 (OI5). Also called: OSTEOGENESIS IMPERFECTA, TYPE V; OI type 5; Type V OI. Identifiers: Orphanet 216828, MedGen C2931093, MONDO:0012591, OMIM 610967.

Submissions (2):

Labcorp Genetics (formerly Invitae), Labcorp
Classification: Uncertain significance. Last evaluated: 2024-05-02. Review status: criteria provided, single submitter. Criteria: Invitae Variant Classification Sherloc (09022015). Collection method: clinical testing. Allele origin: germline.
Comment: This sequence change replaces asparagine, which is neutral and polar, with serine, which is neutral and polar, at codon 48 of the IFITM5 protein (p.Asn48Ser). This variant is not present in population databases (gnomAD no frequency). This missense change has been observed in individuals with clinical features of IFITM5-related conditions (PMID: 34156493). It has also been observed to segregate with disease in related individuals. ClinVar contains an entry for this variant (Variation ID: 1333457). An algorithm developed to predict the effect of missense changes on protein structure and function (PolyPhen-2) suggests that this variant is likely to be disruptive. In summary, the available evidence is currently insufficient to determine the role of this variant in disease. Therefore, it has been classified as a Variant of Uncertain Significance.

3billion
Classification: Uncertain significance for Osteogenesis imperfecta type 5. Last evaluated: 2022-01-03. Review status: criteria provided, single submitter. Criteria: ACMG Guidelines, 2015. Collection method: clinical testing. Allele origin: germline. Affected: yes. Observed: 1 heterozygote.
Comment: The variant is not observed in the gnomAD v2.1.1 dataset (PM2_M). In silico tool predictions suggest damaging effect of the variant on gene or gene product (3CNET: 0.821, PP3_P). Therefore, this variant is classified as uncertain significance according to the recommendation of ACMG/AMP guideline.

Literature cited by the submitters: PubMed 34156493 (cited by Labcorp Genetics (formerly Invitae), Labcorp).